The following is an entry in ClinVar:

NM_024598.4(USB1):c.377G>A (p.Ser126Asn)

Gene: USB1 (U6 snRNA biogenesis phosphodiesterase 1; plus strand). Cytogenetic location: 16q21.
Variant type: single nucleotide variant.
Coding change: c.377G>A on transcript NM_024598.4 (MANE Select); coding-DNA position 377, G replaced by A.
Protein change: p.Ser126Asn; replaces serine 126 with asparagine.
Molecular consequence: missense variant.
Genome position (GRCh38, 1-based): chr16:58,010,040, G>A. VCF-style: chr16-58010040-G-A. GRCh37 (hg19) VCF-style: chr16-58043944-G-A.
Other names: c.377G>A, p.Ser126Asn (NM_001195302.2, NM_001204911.2, NM_001330569.2); c.224G>A, p.Ser75Asn (NM_001330568.2); c.377G>A (NM_024598.3); short protein forms S126N, S75N.
Identifiers: ClinVar variation 1436835 (VCV001436835.5), dbSNP rs757421099, ClinGen allele CA8084889.
Genomic context (GRCh38, chr16:58,010,040, plus strand): 5'-CCCAGACATATGTCCCCCGGCTGGTAAGGATGAAGGTGTTCCACCTCAGCCTGTCCCAGA[G>A]TGTGGTTCTGCGCCACCACTGGATCCTCCCCTTCGTGCAGGCTCTGAAAGCCCGTATGAC-3'
Protein context (NP_078874.2, residues 116-136): MKVFHLSLSQ[Ser126Asn]VVLRHHWILP

ClinVar aggregate classification (germline): Uncertain significance. Review status: criteria provided, multiple submitters, no conflicts (2 of 4 stars). 2 submissions from 2 submitters: Uncertain significance (2). Last evaluated 2025-08-07.

Conditions:
Inborn genetic diseases. Identifiers: MedGen C0950123, MeSH D030342.

Allele frequency attached by ClinVar (database versions not stated): gnomAD 0.00001; gnomAD exomes 0.00001 and 0.00003; ExAC 0.00002; TOPMed 0.00004.

Submissions (2):

Ambry Genetics
Classification: Uncertain significance for Inborn genetic diseases. Last evaluated: 2025-08-07. Review status: criteria provided, single submitter. Criteria: Ambry Variant Classification Scheme 2023. Collection method: clinical testing. Allele origin: germline.

Labcorp Genetics (formerly Invitae), Labcorp
Classification: Uncertain significance. Last evaluated: 2022-10-26. Review status: criteria provided, single submitter. Criteria: Invitae Variant Classification Sherloc (09022015). Collection method: clinical testing. Allele origin: germline.
Comment: This sequence change replaces serine, which is neutral and polar, with asparagine, which is neutral and polar, at codon 126 of the USB1 protein (p.Ser126Asn). This variant is present in population databases (rs757421099, gnomAD 0.02%). This variant has not been reported in the literature in individuals affected with USB1-related conditions. ClinVar contains an entry for this variant (Variation ID: 1436835). Advanced modeling of protein sequence and biophysical properties (such as structural, functional, and spatial information, amino acid conservation, physicochemical variation, residue mobility, and thermodynamic stability) performed at Invitae indicates that this missense variant is not expected to disrupt USB1 protein function. In summary, the available evidence is currently insufficient to determine the role of this variant in disease. Therefore, it has been classified as a Variant of Uncertain Significance.